The following is an entry in ClinVar:

ClinVar aggregate classification (germline): Likely benign (1 of 4 stars; one submission).

Submission:

CeGaT Center for Human Genetics Tuebingen
Classification: Likely benign. Last evaluated: 2024-08-01. Review status: criteria provided, single submitter. Criteria: CeGaT Center For Human Genetics Tuebingen Variant Classification Criteria Version 2. Collection method: clinical testing. Allele origin: germline. Affected: yes. Observed: 1 variant allele.
Comment: DNAJC6: PM2:Supporting, BP4, BP7

NM_001256864.2(DNAJC6):c.261A>C (p.Ala87=)

Gene: DNAJC6 (DnaJ heat shock protein family (Hsp40) member C6; plus strand). Cytogenetic location: 1p31.3.
Variant type: single nucleotide variant.
Coding change: c.261A>C on transcript NM_001256864.2 (MANE Select); coding-DNA position 261, A replaced by C.
Protein change: p.Ala87=; no amino-acid change (alanine 87 retained).
Molecular consequence: synonymous variant.
Genome position (GRCh38, 1-based): chr1:65,364,702, A>C. VCF-style: chr1-65364702-A-C. GRCh37 (hg19) VCF-style: chr1-65830385-A-C.
Other names: c.51A>C, p.Ala17= (NM_001256865.2); c.90A>C, p.Ala30= (NM_014787.4).
Identifiers: ClinVar variation 3342185 (VCV003342185.16).